The following is an entry in ClinVar:

ClinVar aggregate classification (germline): Uncertain significance. Review status: criteria provided, single submitter (1 of 4 stars). 2 submissions from 2 submitters: Uncertain significance (1). 1 of the submissions does not count toward it. Last evaluated 2026-01-26.

Conditions:
CREBBP-related disorder. Also called: CREBBP-related condition; CREBBP-related disorders.
Rubinstein-Taybi syndrome (RSTS). Identifiers: Orphanet 783, MedGen C0035934, MONDO:0019188.

gnomAD v4.1: 4 of 1,605,328 alleles (0.00025%); highest among the groups gnomAD compares: South Asian, 0.0011%; no homozygotes.

Submissions (2):

Labcorp Genetics (formerly Invitae), Labcorp
Classification: Uncertain significance for Rubinstein-Taybi syndrome. Last evaluated: 2026-01-26. Review status: criteria provided, single submitter. Criteria: Invitae Variant Classification Sherloc (09022015). Collection method: clinical testing. Allele origin: germline.
Comment: This sequence change affects codon 1123 of the CREBBP mRNA. It is a 'silent' change, meaning that it does not change the encoded amino acid sequence of the CREBBP protein. It affects a nucleotide within the consensus splice site. This variant is present in population databases (rs534544169, gnomAD 0.003%). This variant has not been reported in the literature in individuals affected with CREBBP-related conditions. ClinVar contains an entry for this variant (Variation ID: 3347437). Algorithms developed to predict the effect of sequence changes on RNA splicing suggest that this variant is not likely to affect RNA splicing. In summary, the available evidence is currently insufficient to determine the role of this variant in disease. Therefore, it has been classified as a Variant of Uncertain Significance.

PreventionGenetics, part of Exact Sciences
Classification: Likely benign for CREBBP-related condition. Last evaluated: 2024-08-24. Review status: no assertion criteria provided. Collection method: clinical testing. Allele origin: germline. Not counted in ClinVar's aggregate classification.
Comment: This variant is classified as likely benign based on ACMG/AMP sequence variant interpretation guidelines (Richards et al. 2015 PMID: 25741868, with internal and published modifications).

NM_004380.3(CREBBP):c.3369A>G (p.Pro1123=)

Gene: CREBBP (CREB binding lysine acetyltransferase; minus strand). Cytogenetic location: 16p13.3.
Variant type: single nucleotide variant.
Coding change: c.3369A>G on transcript NM_004380.3 (MANE Select); coding-DNA position 3369, A replaced by G.
Protein change: p.Pro1123=; no amino-acid change (proline 1123 retained).
Molecular consequence: synonymous variant.
Genome position (GRCh38, 1-based): chr16:3,758,854, T>C on the plus strand (A>G on the coding strand, the complement: CREBBP is on the minus strand). VCF-style: chr16-3758854-T-C. GRCh37 (hg19) VCF-style: chr16-3808855-T-C.
Other names: c.3255A>G, p.Pro1085= (NM_001079846.1).
Identifiers: ClinVar variation 3347437 (VCV003347437.2).